The following is an entry in ClinVar:

ClinVar aggregate classification (germline): Uncertain significance. Review status: criteria provided, multiple submitters, no conflicts (2 of 4 stars). 2 submissions from 2 submitters: Uncertain significance (2). Last evaluated 2023-03-10.

Conditions:
Cardiovascular phenotype. Identifiers: MedGen CN230736.

Allele frequency attached by ClinVar (database versions not stated): TOPMed below 0.00001.
gnomAD v4.1: 1 of 1,613,014 alleles (0.000062%); highest among the groups gnomAD compares: Non-Finnish European, 0.000085%; no homozygotes.

Submissions (2):

Labcorp Genetics (formerly Invitae), Labcorp
Classification: Uncertain significance. Last evaluated: 2023-03-10. Review status: criteria provided, single submitter. Criteria: Invitae Variant Classification Sherloc (09022015). Collection method: clinical testing. Allele origin: germline.
Comment: This sequence change replaces alanine, which is neutral and non-polar, with threonine, which is neutral and polar, at codon 931 of the EPHB4 protein (p.Ala931Thr). This variant is not present in population databases (gnomAD no frequency). This variant has not been reported in the literature in individuals affected with EPHB4-related conditions. ClinVar contains an entry for this variant (Variation ID: 1462992). Advanced modeling of protein sequence and biophysical properties (such as structural, functional, and spatial information, amino acid conservation, physicochemical variation, residue mobility, and thermodynamic stability) performed at Invitae indicates that this missense variant is expected to disrupt EPHB4 protein function. In summary, the available evidence is currently insufficient to determine the role of this variant in disease. Therefore, it has been classified as a Variant of Uncertain Significance.

Ambry Genetics
Classification: Uncertain significance for Cardiovascular phenotype. Last evaluated: 2022-03-09. Review status: criteria provided, single submitter. Criteria: Ambry Variant Classification Scheme 2023. Collection method: clinical testing. Allele origin: germline.
Comment: The p.A931T variant (also known as c.2791G>A), located in coding exon 16 of the EPHB4 gene, results from a G to A substitution at nucleotide position 2791. The alanine at codon 931 is replaced by threonine, an amino acid with similar properties. This amino acid position is conserved. In addition, the in silico prediction for this alteration is inconclusive. Since supporting evidence is limited at this time, the clinical significance of this alteration remains unclear.

NM_004444.5(EPHB4):c.2791G>A (p.Ala931Thr)

Gene: EPHB4 (EPH receptor B4; minus strand). Cytogenetic location: 7q22.1.
Variant type: single nucleotide variant.
Coding change: c.2791G>A on transcript NM_004444.5 (MANE Select); coding-DNA position 2791, G replaced by A.
Protein change: p.Ala931Thr; replaces alanine 931 with threonine.
Molecular consequence: missense variant.
Genome position (GRCh38, 1-based): chr7:100,805,209, C>T on the plus strand (G>A on the coding strand, the complement: EPHB4 is on the minus strand). VCF-style: chr7-100805209-C-T. GRCh37 (hg19) VCF-style: chr7-100402831-C-T.
Other names: short protein forms A931T.
Identifiers: ClinVar variation 1462992 (VCV001462992.8), dbSNP rs1304579305, ClinGen allele CA368566464.
Genomic context (GRCh38, chr7:100,805,209, plus strand): 5'-CTCCTGCCACTGCTTACTCAGCAGAGATCTGGCTGACCAGCTCGAAGGAGCCAAAGCCAG[C>T]GGCTGCGAAACTTTCTTCGTATCTTCCCATTTTGATGGCCCGAAGCCACTCGCCCACAGA-3'
Protein context (NP_004435.3, residues 921-941): MGRYEESFAA[Ala931Thr]GFGSFELVSQ